The following is an entry in ClinVar:

ClinVar aggregate classification (germline): not provided (0 of 4 stars; one submission).

Conditions:
Uterine leiomyoma (UL). Also called: Uterine corpus leiomyoma. Identifiers: MedGen C0042133, MONDO:0007886, OMIM 150699, HP:0000131.

Submission:

Rajkovic Lab, University of Pittsburgh
No classification provided. Condition: Leiomyoma, uterine. Review status: no classification provided. Collection method: not provided. Allele origin: somatic.
ClinVar note: Converted during submission from Associated with leiomyomas to not provided.

NM_005120.3(MED12):c.128A>C (p.Gln43Pro)

Gene: MED12 (mediator complex subunit 12; plus strand). Cytogenetic location: Xq13.1.
Variant type: single nucleotide variant.
Coding change: c.128A>C on transcript NM_005120.3 (MANE Select); coding-DNA position 128, A replaced by C.
Protein change: p.Gln43Pro; replaces glutamine 43 with proline.
Molecular consequence: missense variant.
Genome position (GRCh38, 1-based): chrX:71,119,401, A>C. VCF-style: chrX-71119401-A-C. GRCh37 (hg19) VCF-style: chrX-70339251-A-C.
Other names: short protein forms Q43P.
Identifiers: ClinVar variation 92214 (VCV000092214.2), dbSNP rs199469668, ClinGen allele CA145557.